The following is an entry in ClinVar:

ClinVar aggregate classification (germline): Benign/Likely benign. Review status: criteria provided, multiple submitters, no conflicts (2 of 4 stars). 9 submissions from 9 submitters: Benign (5); Likely benign (3). 1 of the submissions does not count toward it. Last evaluated 2026-02-04.

Conditions:
Autosomal recessive polycystic kidney disease (ARPKD). Also called: AR polycystic kidney disease. Identifiers: Orphanet 731, Orphanet 8378, MedGen C0085548, MeSH D017044, MONDO:0009889.

Allele frequency attached by ClinVar (database versions not stated): gnomAD exomes 0.00072 and 0.00188; ExAC 0.00261; gnomAD 0.00718 and 0.00770; ESP Exome Variant Server 0.00800; TOPMed 0.00808; 1000 Genomes Project 0.00938; 1000 Genomes Project 30x 0.00953.
gnomAD v4.1: 2,086 of 1,505,562 alleles (0.14%); highest among the groups gnomAD compares: African/African-American, 2.5%; 28 homozygotes.

Submissions (9):

Labcorp Genetics (formerly Invitae), Labcorp
Classification: Benign for Autosomal recessive polycystic kidney disease. Last evaluated: 2026-02-04. Review status: criteria provided, single submitter. Criteria: Invitae Variant Classification Sherloc (09022015). Collection method: clinical testing. Allele origin: germline.

Mayo Clinic Laboratories, Mayo Clinic
Classification: Benign. Last evaluated: 2024-12-30. Review status: criteria provided, single submitter. Criteria: ACMG Guidelines, 2015. Collection method: clinical testing. Allele origin: germline. Observed: 9 variant alleles.
Comment: BS1, BS2, BP4, BP7

Blueprint Genetics
Classification: Likely benign. Last evaluated: 2024-11-12. Review status: criteria provided, single submitter. Criteria: ACMG Guidelines, 2015. Collection method: clinical testing. Allele origin: germline.

GeneDx
Classification: Likely benign. Last evaluated: 2020-01-06. Review status: criteria provided, single submitter. Criteria: GeneDx Variant Classification Process June 2021. Collection method: clinical testing. Allele origin: germline. Affected: yes.

Illumina Laboratory Services, Illumina
Classification: Likely benign for Polycystic kidney disease 4. Last evaluated: 2018-01-13. Review status: criteria provided, single submitter. Criteria: ICSL Variant Classification Criteria 13 December 2019. Collection method: clinical testing. Allele origin: germline.
Comment: This variant was observed in the ICSL laboratory as part of a predisposition screen in an ostensibly healthy population. It had not been previously curated by ICSL or reported in the Human Gene Mutation Database (HGMD: prior to June 1st, 2018), and was therefore a candidate for classification through an automated scoring system. Utilizing variant allele frequency, disease prevalence and penetrance estimates, and inheritance mode, an automated score was calculated to assess if this variant is too frequent to cause the disease. Based on the score and internal cut-off values, a variant classified as likely benign is not then subjected to further curation. The score for this variant resulted in a classification of likely benign for this disease.

Women's Health and Genetics/Laboratory Corporation of America, LabCorp
Classification: Benign. Last evaluated: 2017-12-21. Review status: criteria provided, single submitter. Criteria: LabCorp Variant Classification Summary - May 2015. Collection method: clinical testing. Allele origin: germline.
Comment: Variant summary: The PKHD1 c.7110-7T>A variant involves the alteration of a non-conserved intronic nucleotide. 3/5 splice prediction tools predict no significant impact on normal splicing. However, these predictions have yet to be confirmed by functional studies. This variant was found in 659/275722 control chromosomes (12 homozygotes), predominantly observed in the African subpopulation at a frequency of 0.025178 (601/23870). This frequency is about 4 times the estimated maximal expected allele frequency of a pathogenic PKHD1 variant (0.0070711), suggesting this is likely a benign polymorphism found primarily in the populations of African origin. In addition, multiple clinical diagnostic laboratories/reputable databases classified this variant as benign. The variant of interest has not, to our knowledge, been reported in affected individuals via publications. By applying ACMG rules (BS1, BS2), the variant was classified as Benign.

Eurofins Ntd Llc (ga)
Classification: Benign. Last evaluated: 2015-01-12. Review status: criteria provided, single submitter. Criteria: EGL Classification Definitions 2015. Collection method: clinical testing. Allele origin: germline. Observed: 2 variant alleles, 1 heterozygote, 1 homozygote.

PreventionGenetics, part of Exact Sciences
Classification: Benign. Review status: criteria provided, single submitter. Criteria: ACMG Guidelines, 2015. Collection method: clinical testing. Allele origin: germline.

Natera, Inc.
Classification: Benign for Autosomal recessive polycystic kidney disease. Last evaluated: 2017-08-09. Review status: no assertion criteria provided. Collection method: clinical testing. Allele origin: germline. Not counted in ClinVar's aggregate classification.

NM_138694.4(PKHD1):c.7110-7T>A

Gene: PKHD1 (PKHD1 ciliary IPT domain containing fibrocystin/polyductin; minus strand). Cytogenetic location: 6p12.2.
Variant type: single nucleotide variant.
Coding change: c.7110-7T>A on transcript NM_138694.4 (MANE Select); 7 bases into the intron before coding-DNA position 7110, T replaced by A.
Molecular consequence: intron variant.
Genome position (GRCh38, 1-based): chr6:51,885,979, A>T on the plus strand (T>A on the coding strand, the complement: PKHD1 is on the minus strand). VCF-style: chr6-51885979-A-T. GRCh37 (hg19) VCF-style: chr6-51750777-A-T.
Other names: p.?; c.7110-7T>A (NM_170724.3).
Identifiers: ClinVar variation 197535 (VCV000197535.30), dbSNP rs113034899, ClinGen allele CA202945.